The following is an entry in ClinVar:

ClinVar aggregate classification (germline): Uncertain significance. Review status: criteria provided, multiple submitters, no conflicts (2 of 4 stars). 7 submissions from 7 submitters: Uncertain significance (7). Last evaluated 2025-07-20.

Conditions:
Hereditary cancer-predisposing syndrome. Also called: Hereditary neoplastic syndrome; Tumor predisposition; Neoplastic Syndromes, Hereditary; Hereditary Cancer Syndrome. Identifiers: Orphanet 140162, MedGen C0027672, MeSH D009386, MONDO:0015356.

Allele frequency attached by ClinVar (database versions not stated): gnomAD 0.00004 and 0.00005; ExAC 0.00007; TOPMed 0.00008; gnomAD exomes 0.00009 and 0.00015; 1000 Genomes Project 0.00020; ESP Exome Variant Server 0.00023; 1000 Genomes Project 30x 0.00031.
gnomAD v4.1: 221 of 1,614,126 alleles (0.014%); highest among the groups gnomAD compares: Non-Finnish European, 0.017%; no homozygotes.

Submissions (7):

Labcorp Genetics (formerly Invitae), Labcorp
Classification: Uncertain significance. Last evaluated: 2025-07-20. Review status: criteria provided, single submitter. Criteria: Invitae Variant Classification Sherloc (09022015). Collection method: clinical testing. Allele origin: germline.
Comment: This sequence change replaces serine, which is neutral and polar, with arginine, which is basic and polar, at codon 150 of the XRCC2 protein (p.Ser150Arg). This variant is present in population databases (rs371453207, gnomAD 0.02%). This missense change has been observed in individual(s) with personal and/or family history of breast or ovarian cancer (PMID: 30306255). ClinVar contains an entry for this variant (Variation ID: 127955). Invitae Evidence Modeling of protein sequence and biophysical properties (such as structural, functional, and spatial information, amino acid conservation, physicochemical variation, residue mobility, and thermodynamic stability) indicates that this missense variant is expected to disrupt XRCC2 protein function with a positive predictive value of 80%. Algorithms developed to predict the effect of sequence changes on RNA splicing suggest that this variant may create or strengthen a splice site. In summary, the available evidence is currently insufficient to determine the role of this variant in disease. Therefore, it has been classified as a Variant of Uncertain Significance.

Dasa
Classification: Uncertain significance. Last evaluated: 2025-06-29. Review status: criteria provided, single submitter. Criteria: DASA Assertion Criteria. Collection method: clinical testing. Allele origin: germline.
Comment: NM_005431.2(XRCC2):c.450C>G (p.Ser150Arg) is a missense variant that results in the substitution of serine with arginine. This variant is rare in population databases. Computational prediction algorithms are consistent with a deleterious effect. The currently available literature and clinical evidence are not sufficient to establish a definitive association between this variant and the reported condition. Therefore, this variant is classified as a variant of uncertain significance.

Quest Diagnostics Nichols Institute San Juan Capistrano
Classification: Uncertain significance. Last evaluated: 2025-05-19. Review status: criteria provided, single submitter. Criteria: Quest Diagnostics criteria. Collection method: clinical testing. Allele origin: unknown.
Comment: The XRCC2 c.450C>G (p.Ser150Arg) variant has been reported in the published literature in individuals with breast and/or ovarian cancer (PMID: 29255180 (2017), 29255180 (2017), 30306255 (2018), 33471991 (2021), see also LOVD) and colorectal cancer (PMID: 29739106 (2018)). This variant has also been identified in reportedly unaffected individuals (PMID: 22481871 (2012), 29739106 (2018), 33471991 (2021), see also LOVD). The frequency of this variant in the general population (Genome Aggregation Database) is higher than would generally be expected for pathogenic variants in this gene. Analysis of this variant using bioinformatics tools for the prediction of the effect of amino acid changes on protein structure and function yielded conflicting predictions that this variant is benign or damaging. Additional analysis using software algorithms for the prediction of the effect of nucleotide changes on XRCC2 mRNA splicing yielded predictions that this variant may result in the gain of a cryptic splice site without affecting the natural splice sites. Based on the available information, we are unable to determine the clinical significance of this variant.

GeneDx
Classification: Uncertain significance. Last evaluated: 2025-04-07. Review status: criteria provided, single submitter. Criteria: GeneDx Variant Classification Process June 2021. Collection method: clinical testing. Allele origin: germline. Affected: yes.
Comment: Observed in one individual with a personal and/or family history of breast and/or ovarian cancer who also carried a BRCA1 variant (PMID: 29255180); In silico analysis supports that this missense variant has a deleterious effect on protein structure/function; Variants in candidate genes are classified as variants of uncertain significance in accordance with ACMG guidelines (PMID: 25741868); This variant is associated with the following publications: (PMID: 22481871, 29739106, 30306255, 29255180)

Ambry Genetics
Classification: Uncertain significance for Hereditary cancer-predisposing syndrome. Last evaluated: 2025-01-02. Review status: criteria provided, single submitter. Criteria: Ambry Variant Classification Scheme 2023. Collection method: clinical testing. Allele origin: germline.
Comment: The p.S150R variant (also known as c.450C>G), located in coding exon 3 of the XRCC2 gene, results from a C to G substitution at nucleotide position 450. The serine at codon 150 is replaced by arginine, an amino acid with dissimilar properties. This variant was has been identified in individuals diagnosed with breast and/or ovarian cancer (Golmard L et al. Eur. J. Hum. Genet., 2017 12;25:1345-1353; Decker B et al. J Med Genet, 2017 11;54:732-741). This amino acid position is highly conserved in available vertebrate species. In addition, this alteration is predicted to be deleterious by in silico analysis. Based on the available evidence, the clinical significance of this variant remains unclear.

Blueprint Genetics
Classification: Uncertain significance. Last evaluated: 2022-12-14. Review status: criteria provided, single submitter. Criteria: ACMG Guidelines, 2015. Collection method: clinical testing. Allele origin: germline.

Sema4
Classification: Uncertain significance for Hereditary cancer-predisposing syndrome. Last evaluated: 2022-03-16. Review status: criteria provided, single submitter. Criteria: Sema4 Curation Guidelines. Collection method: curation. Allele origin: germline.
Comment: The XRCC2 c.450C>G (p.S150R) variant has been reported in heterozygosity in at least 1 individual with breast and/or ovarian cancer (PMID: 30306255). It has been reported in a large case-control study in 16/60466 breast cancer cases and 11/53461 controls (PMID: 33471991). It was observed in 7/34592 chromosomes of the Latino (AMR) subpopulation in the large and broad cohorts of the Genome Aggregation Database (PMID: 32461654). This variant has been reported in ClinVar (Variation ID 127955). In silico tools suggest the impact of the variant on protein function is deleterious, though these predictions have not been confirmed by functional studies. The evidence is insufficient to meet ACMG/AMP criteria for classifying the variant as benign or pathogenic. Thus, the clinical significance of this variant is currently uncertain.

Literature cited by the submitters: PubMed 30306255 (cited by 3 submitters); PubMed 33471991 (cited by Quest Diagnostics Nichols Institute San Juan Capistrano and Sema4); PubMed 28779002 (cited by Quest Diagnostics Nichols Institute San Juan Capistrano and Ambry Genetics); PubMed 29739106 (cited by Quest Diagnostics Nichols Institute San Juan Capistrano and Ambry Genetics); PubMed 29255180 (cited by Quest Diagnostics Nichols Institute San Juan Capistrano and Ambry Genetics); PubMed 22481871 (cited by Quest Diagnostics Nichols Institute San Juan Capistrano and Ambry Genetics).

NM_005431.2(XRCC2):c.450C>G (p.Ser150Arg)

Gene: XRCC2 (X-ray repair cross complementing 2; minus strand). Cytogenetic location: 7q36.1.
Variant type: single nucleotide variant.
Coding change: c.450C>G on transcript NM_005431.2 (MANE Select); coding-DNA position 450, C replaced by G.
Protein change: p.Ser150Arg; replaces serine 150 with arginine.
Molecular consequence: missense variant.
Genome position (GRCh38, 1-based): chr7:152,649,035, G>C on the plus strand (C>G on the coding strand, the complement: XRCC2 is on the minus strand). VCF-style: chr7-152649035-G-C. GRCh37 (hg19) VCF-style: chr7-152346120-G-C.
Other names: p.S150R:AGC>AGG; short protein forms S150R.
Identifiers: ClinVar variation 127955 (VCV000127955.23), dbSNP rs371453207, ClinGen allele CA288132.